The following is an entry in ClinVar:

ClinVar aggregate classification (germline): Pathogenic. Review status: reviewed by expert panel (3 of 4 stars). 3 submissions from 3 submitters: Pathogenic (1). 2 of the submissions do not count toward it. Last evaluated 2020-10-23.

Conditions:
Phenylketonuria (PKU). Also called: OLIGOPHRENIA PHENYLPYRUVICA; Phenylketonuria (PKU); Phenylketonurias; FOLLING DISEASE. Identifiers: Orphanet 716, MedGen C0031485, MONDO:0009861, OMIM 261600. Disease mechanism: loss of function.

Submissions (3):

ClinGen PAH Variant Curation Expert Panel
Classification: Pathogenic for Phenylketonuria. Last evaluated: 2020-10-23. Review status: reviewed by expert panel. Criteria: ClinGen PAH ACMG Specifications v1. Collection method: curation. Allele origin: germline. Inheritance: Autosomal recessive inheritance.
Comment: This c.441+2T>A (aka IVS4+2T>A) variant in PAH has been observed in at least two patients with PAH deficiency (PMID: 26503515, 23932990, and 19915519). The variant was observed with pathogenic variant p.Y356X; phase unknown. This variant is absent from controls in population databases. This variant in the +2 splice donor site of intron 4 results in exon skipping or use of a cryptic splice site. The variant disrupts the reading frame and is predicted to undergo nonsense mediated decay. This variant breaks the splice site in intron 4 according to computational models. In summary, this variant meets criteria to be classified as pathogenic in PAH. PAH-specific ACMG/AMP criteria applied: PVS1, PM2, PM3_supporting and PP4_moderate.

Labcorp Genetics (formerly Invitae), Labcorp
Classification: Likely pathogenic for Phenylketonuria. Last evaluated: 2024-10-27. Review status: criteria provided, single submitter. Criteria: Invitae Variant Classification Sherloc (09022015). Collection method: clinical testing. Allele origin: germline. Not counted in ClinVar's aggregate classification.
Comment: This sequence change affects a donor splice site in intron 4 of the PAH gene. It is expected to disrupt RNA splicing. Variants that disrupt the donor or acceptor splice site typically lead to a loss of protein function (PMID: 16199547), and loss-of-function variants in PAH are known to be pathogenic (PMID: 1301187, 9634518). This variant is not present in population databases (gnomAD no frequency). Disruption of this splice site has been observed in individual(s) with clinical features of PAH-related conditions (PMID: 19915519, 30275481, 32668217). ClinVar contains an entry for this variant (Variation ID: 987760). Algorithms developed to predict the effect of sequence changes on RNA splicing suggest that this variant may disrupt the consensus splice site. In summary, the currently available evidence indicates that the variant is pathogenic, but additional data are needed to prove that conclusively. Therefore, this variant has been classified as Likely Pathogenic.

Women's Health and Genetics/Laboratory Corporation of America, LabCorp
Classification: Pathogenic for Phenylketonuria. Last evaluated: 2022-12-07. Review status: criteria provided, single submitter. Criteria: LabCorp Variant Classification Summary - May 2015. Collection method: clinical testing. Allele origin: germline. Not counted in ClinVar's aggregate classification.
Comment: Variant summary: PAH c.441+2T>A is located in a canonical splice-site and is predicted to affect mRNA splicing resulting in a significantly altered protein due to either exon skipping, shortening, or inclusion of intronic material. Four of four computational tools predict a significant impact on normal splicing, predicting the variant abolishes the canonical 5' splicing donor site. However, these predictions have yet to be confirmed by functional studies. The variant was absent in 251482 control chromosomes (gnomAD). c.441+2T>A has been reported in the literature as a compound heterozygous genotype in multiple individuals affected with Phenylalanine Hydroxylase Deficiency (Phenylketonuria), displaying the classic phenotype of the disease (e.g. Zhu_2013, Wang_2018, Hillert_2020). These data indicate that the variant is very likely to be associated with Phenylketonuria. To our knowledge, no experimental evidence demonstrating an impact on protein function has been reported. One submitter, the ClinGen PAH Variant Curation Expert Panel, has provided an assessment for this variant to ClinVar after 2014 and classified the variant as pathogenic. Based on the evidence outlined above, the variant was classified as pathogenic.

Literature cited by the submitters: PubMed 19915519 (cited by 3 submitters); PubMed 23932990 (cited by ClinGen PAH Variant Curation Expert Panel and Women's Health and Genetics/Laboratory Corporation of America, LabCorp); PubMed 26503515 (cited by ClinGen PAH Variant Curation Expert Panel and Women's Health and Genetics/Laboratory Corporation of America, LabCorp); PubMed 16199547 (cited by Labcorp Genetics (formerly Invitae), Labcorp); PubMed 1301187 (cited by Labcorp Genetics (formerly Invitae), Labcorp); PubMed 9634518 (cited by Labcorp Genetics (formerly Invitae), Labcorp); PubMed 30275481 (cited by Labcorp Genetics (formerly Invitae), Labcorp); PubMed 32668217 (cited by Labcorp Genetics (formerly Invitae), Labcorp and Women's Health and Genetics/Laboratory Corporation of America, LabCorp); PubMed 29499199 (cited by Women's Health and Genetics/Laboratory Corporation of America, LabCorp).

NM_000277.3(PAH):c.441+2T>A

Gene: PAH (phenylalanine hydroxylase; minus strand). Cytogenetic location: 12q23.2.
Variant type: single nucleotide variant.
Coding change: c.441+2T>A on transcript NM_000277.3 (MANE Select); the canonical splice donor site of the intron after coding-DNA position 441, T replaced by A.
Molecular consequence: splice donor variant.
Genome position (GRCh38, 1-based): chr12:102,877,460, A>T on the plus strand (T>A on the coding strand, the complement: PAH is on the minus strand). VCF-style: chr12-102877460-A-T. GRCh37 (hg19) VCF-style: chr12-103271238-A-T.
Other names: c.441+2T>A (NM_001354304.2).
Identifiers: ClinVar variation 987760 (VCV000987760.4), dbSNP rs1876618843, ClinGen allele CA16020786.